The following is an entry in ClinVar:

ClinVar aggregate classification (germline): Uncertain significance (1 of 4 stars; one submission).

Conditions:
Inborn genetic diseases. Identifiers: MedGen C0950123, MeSH D030342.

Submission:

Ambry Genetics
Classification: Uncertain significance for Inborn genetic diseases. Last evaluated: 2026-06-04. Review status: criteria provided, single submitter. Criteria: Ambry Variant Classification Scheme 2023. Collection method: clinical testing. Allele origin: germline.
Comment: The p.Y362H variant (also known as c.1084T>C), located in coding exon 5 of the SH2B3 gene, results from a T to C substitution at nucleotide position 1084. The tyrosine at codon 362 is replaced by histidine, an amino acid with similar properties. This amino acid position is conserved. In addition, the in silico prediction for this alteration is inconclusive. Based on the available evidence, the clinical significance of this variant remains unclear.

NM_005475.3(SH2B3):c.1084T>C (p.Tyr362His)

Gene: SH2B3 (SH2B adaptor protein 3; plus strand). Cytogenetic location: 12q24.12.
Variant type: single nucleotide variant.
Coding change: c.1084T>C on transcript NM_005475.3 (MANE Select); coding-DNA position 1084, T replaced by C.
Protein change: p.Tyr362His; replaces tyrosine 362 with histidine.
Molecular consequence: missense variant.
Genome position (GRCh38, 1-based): chr12:111,447,392, T>C. VCF-style: chr12-111447392-T-C. GRCh37 (hg19) VCF-style: chr12-111885196-T-C.
Other names: c.478T>C, p.Tyr160His (NM_001291424.1); short protein forms Y160H, Y362H.
Identifiers: ClinVar variation 4864463 (VCV004864463.1).